The following is an entry in ClinVar:

ClinVar aggregate classification (germline): Uncertain significance. Review status: criteria provided, multiple submitters, no conflicts (2 of 4 stars). 5 submissions from 5 submitters: Uncertain significance (5). Last evaluated 2025-08-07.

Conditions:
Fanconi anemia complementation group P. Also called: SLX4-Related Fanconi Anemia. Identifiers: Orphanet 84, MedGen C3469542, MONDO:0013499, OMIM 613951.
Fanconi anemia (FA). Also called: Fanconi's anemia. Identifiers: Orphanet 84, MedGen C0015625, MeSH D005199, MONDO:0019391.
SLX4-related disorder. Also called: SLX4-related condition.
Inborn genetic diseases. Identifiers: MedGen C0950123, MeSH D030342.

Allele frequency attached by ClinVar (database versions not stated): gnomAD exomes below 0.00001; ExAC 0.00001; gnomAD 0.00005 and 0.00006; TOPMed 0.00005; 1000 Genomes Project 30x 0.00016; 1000 Genomes Project 0.00020.
gnomAD v4.1: 15 of 1,613,858 alleles (0.00093%); highest among the groups gnomAD compares: African/African-American, 0.019%; no homozygotes.

Submissions (5):

PreventionGenetics, part of Exact Sciences
Classification: Uncertain significance for SLX4-related condition. Last evaluated: 2025-08-07. Review status: criteria provided, single submitter. Criteria: ACMG Guidelines, 2015. Collection method: clinical testing. Allele origin: germline.
Comment: The SLX4 c.3701C>T variant is predicted to result in the amino acid substitution p.Ala1234Val. To our knowledge, this variant has not been reported in the literature. This variant is reported in 0.012% of alleles in individuals of African descent in gnomAD and is classified as a variant of uncertain significance in the ClinVar database (Variation ID: 1471784). At this time, the clinical significance of this variant is uncertain due to the absence of conclusive functional and genetic evidence.

Ambry Genetics
Classification: Uncertain significance for Inborn genetic diseases. Last evaluated: 2023-09-14. Review status: criteria provided, single submitter. Criteria: Ambry Variant Classification Scheme 2023. Collection method: clinical testing. Allele origin: germline.

Sema4
Classification: Uncertain significance for Fanconi anemia. Last evaluated: 2022-02-27. Review status: criteria provided, single submitter. Criteria: Sema4 Curation Guidelines. Collection method: curation. Allele origin: germline.
Comment: The SLX4 c.3701C>T(p.A1234V) variant has not been reported in the literature to our knowledge. This variant was observed in 3/24740 chromosomes in the African/African American population according to the Genome Aggregation Database (PMID: 32461654). This variant has not been reported in ClinVar. In silico tools suggest the impact of the variant on protein function is benign, though these predictions have not been confirmed by functional studies. The evidence is insufficient to meet ACMG/AMP criteria for classifying the variant as benign or pathogenic. Thus, the clinical significance of this variant is currently uncertain.

Fulgent Genetics
Classification: Uncertain significance for Fanconi anemia complementation group P. Last evaluated: 2022-02-16. Review status: criteria provided, single submitter. Criteria: ACMG Guidelines, 2015. Collection method: clinical testing. Allele origin: unknown.

Labcorp Genetics (formerly Invitae), Labcorp
Classification: Uncertain significance for Fanconi anemia. Last evaluated: 2021-02-16. Review status: criteria provided, single submitter. Criteria: Invitae Variant Classification Sherloc (09022015). Collection method: clinical testing. Allele origin: germline.
Comment: This sequence change replaces alanine with valine at codon 1234 of the SLX4 protein (p.Ala1234Val). The alanine residue is weakly conserved and there is a small physicochemical difference between alanine and valine. In summary, the available evidence is currently insufficient to determine the role of this variant in disease. Therefore, it has been classified as a Variant of Uncertain Significance. Algorithms developed to predict the effect of missense changes on protein structure and function (SIFT, PolyPhen-2, Align-GVGD) all suggest that this variant is likely to be tolerated, but these predictions have not been confirmed by published functional studies and their clinical significance is uncertain. This variant has not been reported in the literature in individuals with SLX4-related conditions. This variant is present in population databases (rs186036075, ExAC 0.01%).

NM_032444.4(SLX4):c.3701C>T (p.Ala1234Val)

Gene: SLX4 (SLX4 structure-specific endonuclease subunit; minus strand). Cytogenetic location: 16p13.3.
Variant type: single nucleotide variant.
Coding change: c.3701C>T on transcript NM_032444.4 (MANE Select); coding-DNA position 3701, C replaced by T.
Protein change: p.Ala1234Val; replaces alanine 1234 with valine.
Molecular consequence: missense variant.
Genome position (GRCh38, 1-based): chr16:3,589,937, G>A on the plus strand (C>T on the coding strand, the complement: SLX4 is on the minus strand). VCF-style: chr16-3589937-G-A. GRCh37 (hg19) VCF-style: chr16-3639938-G-A.
Other names: c.3701C>T (NM_032444.3); short protein forms A1234V.
Identifiers: ClinVar variation 1471784 (VCV001471784.10), dbSNP rs186036075, ClinGen allele CA7865859.